The following is an entry in ClinVar:

ClinVar aggregate classification (germline): Uncertain significance. Review status: criteria provided, multiple submitters, no conflicts (2 of 4 stars). 2 submissions from 2 submitters: Uncertain significance (2). Last evaluated 2025-01-14.

gnomAD v4.1: 2 of 1,614,216 alleles (0.00012%); highest among the groups gnomAD compares: Non-Finnish European, 0.000085%; no homozygotes.

Submissions (2):

Labcorp Genetics (formerly Invitae), Labcorp
Classification: Uncertain significance. Last evaluated: 2025-01-14. Review status: criteria provided, single submitter. Criteria: Invitae Variant Classification Sherloc (09022015). Collection method: clinical testing. Allele origin: germline.
Comment: This sequence change replaces lysine, which is basic and polar, with asparagine, which is neutral and polar, at codon 3936 of the KMT2A protein (p.Lys3936Asn). This variant is not present in population databases (gnomAD no frequency). This variant has not been reported in the literature in individuals affected with KMT2A-related conditions. Invitae Evidence Modeling of protein sequence and biophysical properties (such as structural, functional, and spatial information, amino acid conservation, physicochemical variation, residue mobility, and thermodynamic stability) indicates that this missense variant is not expected to disrupt KMT2A protein function with a negative predictive value of 95%. In summary, the available evidence is currently insufficient to determine the role of this variant in disease. Therefore, it has been classified as a Variant of Uncertain Significance.

Blueprint Genetics
Classification: Uncertain significance. Last evaluated: 2020-12-02. Review status: criteria provided, single submitter. Criteria: ACMG Guidelines, 2015. Collection method: clinical testing. Allele origin: germline.

NM_001197104.2(KMT2A):c.11808G>T (p.Lys3936Asn)

Genes: KMT2A (lysine methyltransferase 2A; plus strand), TTC36-AS1 (TTC36 and KMT2A antisense RNA 1; minus strand). Cytogenetic location: 11q23.3.
Variant type: single nucleotide variant.
Coding change: c.11808G>T on transcript NM_001197104.2 (MANE Select); coding-DNA position 11808, G replaced by T.
Protein change: p.Lys3936Asn; replaces lysine 3936 with asparagine.
Molecular consequence: missense variant.
Genome position (GRCh38, 1-based): chr11:118,522,061, G>T. VCF-style: chr11-118522061-G-T. GRCh37 (hg19) VCF-style: chr11-118392776-G-T.
Other names: c.11898G>T, p.Lys3966Asn (NM_001412597.1); c.11799G>T, p.Lys3933Asn (NM_005933.4); short protein forms K3936N, K3933N, K3966N.
Identifiers: ClinVar variation 3692309 (VCV003692309.3).